The following is an entry in ClinVar:

NC_012920.1(MT-TA):m.5640A>G

Gene: MT-TA (mitochondrially encoded tRNA alanine; minus strand).
Variant type: single nucleotide variant.
Genome position: chrM-5640-A-G.
Identifiers: ClinVar variation 689963 (VCV000689963.5), dbSNP rs1603220065, ClinGen allele CA913180097.

ClinVar aggregate classification (germline): Likely benign (1 of 4 stars; one submission).

Conditions:
MELAS syndrome (MELAS). Also called: Juvenile myopathy, encephalopathy, lactic acidosis, stroke. Identifiers: Orphanet 550, MedGen C0162671, MONDO:0010789, OMIM 540000.

Submission:

Wong Mito Lab, Molecular and Human Genetics, Baylor College of Medicine
Classification: Likely benign for MELAS syndrome. Last evaluated: 2019-07-12. Review status: criteria provided, single submitter. Criteria: Modified ACMG Guidelines (Unpublished). Collection method: clinical testing. Allele origin: germline.
Comment: The NC_012920.1:m.5640A>G variant in MT-TA gene is interpreted to be a Likely Benign variant based on the modified ACMG guidelines (unpublished). This variant meets the following evidence codes reported in the guidelines: BP4, BP6

Literature cited by the submitters: PubMed 31965079 (cited by Wong Mito Lab, Molecular and Human Genetics, Baylor College of Medicine).